The following is an entry in ClinVar:

NM_000218.3(KCNQ1):c.1394-14331G>A

Genes: KCNQ1 (potassium voltage-gated channel subfamily Q member 1; plus strand), KCNQ1OT1 (KCNQ1 opposite strand/antisense transcript 1; minus strand). Cytogenetic location: 11p15.5.
Variant type: single nucleotide variant.
Coding change: c.1394-14331G>A on transcript NM_000218.3 (MANE Select); 14331 bases into the intron before coding-DNA position 1394, G replaced by A.
Molecular consequence: intron variant. On other transcripts: non-coding transcript variant (1).
Genome position (GRCh38, 1-based): chr11:2,647,630, G>A. VCF-style: chr11-2647630-G-A. GRCh37 (hg19) VCF-style: chr11-2668860-G-A.
Other names: c.1124-14331G>A (NM_001406837.1); c.1298-14331G>A (NM_001406836.1); c.854-14331G>A (NM_001406838.1); c.1013-14331G>A (NM_181798.2).
Identifiers: ClinVar variation 2641426 (VCV002641426.24), dbSNP rs372052163, ClinGen allele CA216159985.

ClinVar aggregate classification (germline): Likely benign (1 of 4 stars; one submission).

Allele frequency attached by ClinVar (database versions not stated): gnomAD exomes 0.00012; gnomAD 0.00023; 1000 Genomes Project 0.00080; 1000 Genomes Project 30x 0.00125.
gnomAD v4.1: 69 of 398,388 alleles (0.017%); highest among the groups gnomAD compares: South Asian, 0.18%; no homozygotes.

Submission:

CeGaT Center for Human Genetics Tuebingen
Classification: Likely benign. Last evaluated: 2023-02-01. Review status: criteria provided, single submitter. Criteria: CeGaT Center For Human Genetics Tuebingen Variant Classification Criteria Version 2. Collection method: clinical testing. Allele origin: germline. Affected: yes. Observed: 1 variant allele.
Comment: KCNQ1OT1: BS1